The following is an entry in ClinVar:

ClinVar aggregate classification (germline): Uncertain significance. Review status: criteria provided, multiple submitters, no conflicts (2 of 4 stars). 2 submissions from 2 submitters: Uncertain significance (2). Last evaluated 2025-10-02.

gnomAD v4.1: 23 of 1,609,030 alleles (0.0014%); highest among the groups gnomAD compares: East Asian, 0.022%; no homozygotes.

Submissions (2):

Labcorp Genetics (formerly Invitae), Labcorp
Classification: Uncertain significance. Last evaluated: 2025-10-02. Review status: criteria provided, single submitter. Criteria: Invitae Variant Classification Sherloc (09022015). Collection method: clinical testing. Allele origin: germline.
Comment: This sequence change replaces valine, which is neutral and non-polar, with glycine, which is neutral and non-polar, at codon 248 of the GUF1 protein (p.Val248Gly). The frequency data for this variant in the population databases is considered unreliable, as metrics indicate poor data quality at this position in the gnomAD database. This variant has not been reported in the literature in individuals affected with GUF1-related conditions. Invitae Evidence Modeling of protein sequence and biophysical properties (such as structural, functional, and spatial information, amino acid conservation, physicochemical variation, residue mobility, and thermodynamic stability) indicates that this missense variant is not expected to disrupt GUF1 protein function with a negative predictive value of 80%. In summary, the available evidence is currently insufficient to determine the role of this variant in disease. Therefore, it has been classified as a Variant of Uncertain Significance.

Ambry Genetics
Classification: Uncertain significance. Last evaluated: 2025-08-23. Review status: criteria provided, single submitter. Criteria: Ambry Variant Classification Scheme 2023. Collection method: clinical testing. Allele origin: germline.

NM_021927.3(GUF1):c.743T>G (p.Val248Gly)

Gene: GUF1 (GTP binding elongation factor GUF1; plus strand). Cytogenetic location: 4p12.
Variant type: single nucleotide variant.
Coding change: c.743T>G on transcript NM_021927.3 (MANE Select); coding-DNA position 743, T replaced by G.
Protein change: p.Val248Gly; replaces valine 248 with glycine.
Molecular consequence: missense variant. On other transcripts: 5 prime UTR variant (2).
Genome position (GRCh38, 1-based): chr4:44,686,518, T>G. VCF-style: chr4-44686518-T-G. GRCh37 (hg19) VCF-style: chr4-44688535-T-G.
Other names: c.-230T>G (NM_001345867.2, NM_001345869.2); c.743T>G, p.Val248Gly (NM_001345868.2); short protein forms V248G.
Identifiers: ClinVar variation 4268091 (VCV004268091.2).
Genomic context (GRCh38, chr4:44,686,518, plus strand): 5'-TTAAGATTTTAATTTAGTGTATATATATTTACTTTTTACTTATATTTACTAGTCCTAAAG[T>G]GCATCGCAAAAATCCTCTGAGAGCTTTGGTATTTGACTCCACCTTTGACCAGTATAGAGG-3'
Protein context (NP_068746.2, residues 238-258): AIIERIPPPK[Val248Gly]HRKNPLRALV